The following is an entry in ClinVar:

ClinVar aggregate classification (germline): Uncertain significance (1 of 4 stars; one submission).

Submission:

GeneDx
Classification: Uncertain significance. Last evaluated: 2024-12-08. Review status: criteria provided, single submitter. Criteria: GeneDx Variant Classification Process June 2021. Collection method: clinical testing. Allele origin: germline. Affected: yes.
Comment: Not observed at significant frequency in large population cohorts (gnomAD); In silico analysis supports that this missense variant has a deleterious effect on protein structure/function; Has not been previously published as pathogenic or benign to our knowledge

NM_001985.3(ETFB):c.19C>T (p.Leu7Phe)

Gene: ETFB (electron transfer flavoprotein subunit beta; minus strand). Cytogenetic location: 19q13.41.
Variant type: single nucleotide variant.
Coding change: c.19C>T on transcript NM_001985.3 (MANE Select); coding-DNA position 19, C replaced by T.
Protein change: p.Leu7Phe; replaces leucine 7 with phenylalanine.
Molecular consequence: missense variant.
Genome position (GRCh38, 1-based): chr19:51,366,308, G>A on the plus strand (C>T on the coding strand, the complement: ETFB is on the minus strand). VCF-style: chr19-51366308-G-A. GRCh37 (hg19) VCF-style: chr19-51869562-G-A.
Other names: short protein forms L7F.
Identifiers: ClinVar variation 3901442 (VCV003901442.1).